The following is an entry in ClinVar:

ClinVar aggregate classification (germline): Likely benign (0 of 4 stars; one submission).

Conditions:
FLT4-related disorder. Also called: FLT4-related condition.

Allele frequency attached by ClinVar (database versions not stated): ExAC 0.00006; ESP Exome Variant Server 0.00008; gnomAD 0.00009; gnomAD exomes 0.00009; TOPMed 0.00013.
gnomAD v4.1: 138 of 1,612,068 alleles (0.0086%); highest among the groups gnomAD compares: East Asian, 0.036%; no homozygotes.

Submission:

PreventionGenetics, part of Exact Sciences
Classification: Likely benign for FLT4-related condition. Last evaluated: 2020-07-15. Review status: no assertion criteria provided. Collection method: clinical testing. Allele origin: germline.
Comment: This variant is classified as likely benign based on ACMG/AMP sequence variant interpretation guidelines (Richards et al. 2015 PMID: 25741868, with internal and published modifications).

NM_182925.5(FLT4):c.435G>A (p.Thr145=)

Gene: FLT4 (fms related receptor tyrosine kinase 4; minus strand). Cytogenetic location: 5q35.3.
Variant type: single nucleotide variant.
Coding change: c.435G>A on transcript NM_182925.5 (MANE Select); coding-DNA position 435, G replaced by A.
Protein change: p.Thr145=; no amino-acid change (threonine 145 retained).
Molecular consequence: synonymous variant.
Genome position (GRCh38, 1-based): chr5:180,630,303, C>T on the plus strand (G>A on the coding strand, the complement: FLT4 is on the minus strand). VCF-style: chr5-180630303-C-T. GRCh37 (hg19) VCF-style: chr5-180057303-C-T.
Other names: c.435G>A, p.Thr145= (NM_001354989.2, NM_002020.5).
Identifiers: ClinVar variation 3047195 (VCV003047195.2), dbSNP rs374248760, ClinGen allele CA3607110.
Genomic context (GRCh38, chr5:180,630,303, plus strand): 5'-GAGGCCGGGGATGGACACCAGACAGGGCACCCACATGGCGTCCTTCCTGTTGACCAAGAG[C>T]GTGTCAGGCTTGTTGATGAATGGCTGCTCAAAGTCTATGGAGAGGGAGCAAGCTGTTGGG-3'
Protein context (NP_891555.2, residues 135-155): FEQPFINKPD[Thr145=]LLVNRKDAMW